The following is an entry in ClinVar:

ClinVar aggregate classification (germline): Likely benign (1 of 4 stars; one submission).

Allele frequency attached by ClinVar (database versions not stated): ExAC 0.00002.

Submission:

CeGaT Center for Human Genetics Tuebingen
Classification: Likely benign. Last evaluated: 2022-07-01. Review status: criteria provided, single submitter. Criteria: CeGaT Center For Human Genetics Tuebingen Variant Classification Criteria Version 2. Collection method: clinical testing. Allele origin: germline. Affected: yes. Observed: 1 variant allele.
Comment: SLX1A: BP4, BP7

NM_001014999.3(SLX1A):c.756G>A (p.Gln252=)

Genes: SLX1A (structure-specific endonuclease subunit SLX1A; plus strand), SLX1A-SULT1A3 (SLX1A-SULT1A3 readthrough (NMD candidate); plus strand). Cytogenetic location: 16p11.2.
Variant type: single nucleotide variant.
Coding change: c.756G>A on transcript NM_001014999.3 (MANE Select); coding-DNA position 756, G replaced by A.
Protein change: p.Gln252=; no amino-acid change (glutamine 252 retained).
Molecular consequence: synonymous variant. On other transcripts: non-coding transcript variant (1).
Genome position (GRCh38, 1-based): chr16:30,197,315, G>A. VCF-style: chr16-30197315-G-A. GRCh37 (hg19) VCF-style: chr16-30208636-G-A.
Other names: c.414G>A, p.Gln138= (NM_001015000.2).
Identifiers: ClinVar variation 2646382 (VCV002646382.24), dbSNP rs764256491, ClinGen allele CA8003525.